The following is an entry in ClinVar:

NM_001384474.1(LOXHD1):c.3380C>T (p.Ala1127Val)

Gene: LOXHD1 (lipoxygenase homology PLAT domains 1; minus strand). Cytogenetic location: 18q21.1.
Variant type: single nucleotide variant.
Coding change: c.3380C>T on transcript NM_001384474.1 (MANE Select); coding-DNA position 3380, C replaced by T.
Protein change: p.Ala1127Val; replaces alanine 1127 with valine.
Molecular consequence: missense variant. On other transcripts: 5 prime UTR variant (1).
Genome position (GRCh38, 1-based): chr18:46,547,029, G>A on the plus strand (C>T on the coding strand, the complement: LOXHD1 is on the minus strand). VCF-style: chr18-46547029-G-A. GRCh37 (hg19) VCF-style: chr18-44126992-G-A.
Other names: c.47C>T, p.Ala16Val (NM_001145472.3); c.-242C>T (NM_001308013.2); c.3380C>T, p.Ala1127Val (NM_144612.7); short protein forms A1127V, A16V.
Identifiers: ClinVar variation 4752128 (VCV004752128.1).
Genomic context (GRCh38, chr18:46,547,029, plus strand): 5'-ACATAGGACTCATCCACTGGCAACAGCTCCCTGGACAGCTGGCCATCATCTTCCTCCACT[G>A]CCAGCCAACGTTGGCATGGAAAGTAGTACCTGTGGGGGTGGATAGGGAAAGATTGGAATG-3'
Protein context (NP_001371403.1, residues 1117-1137): TYYFPCQRWL[Ala1127Val]VEEDDGQLSR

ClinVar aggregate classification (germline): Uncertain significance (1 of 4 stars; one submission).

gnomAD v4.1: 1 of 1,551,774 alleles (0.000064%); highest among the groups gnomAD compares: Non-Finnish European, 0.000087%; no homozygotes.

Submission:

Labcorp Genetics (formerly Invitae), Labcorp
Classification: Uncertain significance. Last evaluated: 2025-11-25. Review status: criteria provided, single submitter. Criteria: Invitae Variant Classification Sherloc (09022015). Collection method: clinical testing. Allele origin: germline.
Comment: This sequence change replaces alanine, which is neutral and non-polar, with valine, which is neutral and non-polar, at codon 1127 of the LOXHD1 protein (p.Ala1127Val). This variant is not present in population databases (gnomAD no frequency). This variant has not been reported in the literature in individuals affected with LOXHD1-related conditions. An algorithm developed to predict the effect of missense changes on protein structure and function (PolyPhen-2) suggests that this variant is likely to be disruptive. In summary, the available evidence is currently insufficient to determine the role of this variant in disease. Therefore, it has been classified as a Variant of Uncertain Significance.